The following is an entry in ClinVar:

ClinVar aggregate classification (germline): Uncertain significance. Review status: criteria provided, multiple submitters, no conflicts (2 of 4 stars). 2 submissions from 2 submitters: Uncertain significance (2). Last evaluated 2025-09-05.

Conditions:
Inborn genetic diseases. Identifiers: MedGen C0950123, MeSH D030342.
Nemaline myopathy 2 (NEM2). Also called: Nemaline myopathy 2, autosomal recessive. Identifiers: MedGen C1850569, MONDO:0009725, OMIM 256030.

Allele frequency attached by ClinVar (database versions not stated): gnomAD exomes 0.00001; TOPMed 0.00001.
gnomAD v4.1: 4 of 1,613,934 alleles (0.00025%); highest among the groups gnomAD compares: Non-Finnish European, 0.00034%; no homozygotes.

Submissions (2):

Ambry Genetics
Classification: Uncertain significance for Inborn genetic diseases. Last evaluated: 2025-09-05. Review status: criteria provided, single submitter. Criteria: Ambry Variant Classification Scheme 2023. Collection method: clinical testing. Allele origin: germline.

Labcorp Genetics (formerly Invitae), Labcorp
Classification: Uncertain significance for Nemaline myopathy 2. Last evaluated: 2021-09-08. Review status: criteria provided, single submitter. Criteria: Invitae Variant Classification Sherloc (09022015). Collection method: clinical testing. Allele origin: germline.
Comment: This sequence change replaces valine with methionine at codon 7383 of the NEB protein (p.Val7383Met). The valine residue is moderately conserved and there is a small physicochemical difference between valine and methionine. This variant is not present in population databases (ExAC no frequency). This variant has not been reported in the literature in individuals affected with NEB-related conditions. Algorithms developed to predict the effect of missense changes on protein structure and function are either unavailable or do not agree on the potential impact of this missense change (SIFT: "Deleterious"; PolyPhen-2: "Not Available"; Align-GVGD: "Class C0"). In summary, the available evidence is currently insufficient to determine the role of this variant in disease. Therefore, it has been classified as a Variant of Uncertain Significance.

NM_001164508.2(NEB):c.22042G>A (p.Val7348Met)

Genes: NEB (nebulin; minus strand), RIF1 (replication timing regulatory factor 1; plus strand). Cytogenetic location: 2q23.3.
Variant type: single nucleotide variant.
Coding change: c.22042G>A on transcript NM_001164508.2 (MANE Select); coding-DNA position 22042, G replaced by A.
Protein change: p.Val7348Met; replaces valine 7348 with methionine.
Molecular consequence: missense variant.
Genome position (GRCh38, 1-based): chr2:151,526,166, C>T on the plus strand (G>A on the coding strand, the complement: NEB is on the minus strand). VCF-style: chr2-151526166-C-T. GRCh37 (hg19) VCF-style: chr2-152382680-C-T.
Other names: c.22042G>A, p.Val7348Met (NM_001164507.2); c.22147G>A, p.Val7383Met (NM_001271208.2); c.16939G>A, p.Val5647Met (NM_004543.5); c.16939G>A (NM_004543.4); short protein forms V7383M, V5647M, V7348M.
Identifiers: ClinVar variation 465560 (VCV000465560.5), dbSNP rs200918570, ClinGen allele CA57626281.